The following is an entry in ClinVar:

ClinVar aggregate classification (germline): Uncertain significance. Review status: criteria provided, multiple submitters, no conflicts (2 of 4 stars). 2 submissions from 2 submitters: Uncertain significance (2). Last evaluated 2026-06-04.

Conditions:
Hereditary cancer-predisposing syndrome. Also called: Neoplastic Syndromes, Hereditary; Tumor predisposition; Hereditary Cancer Syndrome; Hereditary neoplastic syndrome. Identifiers: Orphanet 140162, MedGen C0027672, MeSH D009386, MONDO:0015356.

Submissions (2):

Ambry Genetics
Classification: Uncertain significance for Hereditary cancer-predisposing syndrome. Last evaluated: 2026-06-04. Review status: criteria provided, single submitter. Criteria: Ambry Variant Classification Scheme 2023. Collection method: clinical testing. Allele origin: germline.
Comment: The p.L1135P variant (also known as c.3404T>C), located in coding exon 24 of the MSH3 gene, results from a T to C substitution at nucleotide position 3404. The leucine at codon 1135 is replaced by proline, an amino acid with similar properties. This amino acid position is well conserved in available vertebrate species. In addition, the in silico prediction for this alteration is inconclusive. Based on the available evidence, the clinical significance of this variant remains unclear.

Labcorp Genetics (formerly Invitae), Labcorp
Classification: Uncertain significance. Last evaluated: 2025-11-17. Review status: criteria provided, single submitter. Criteria: Invitae Variant Classification Sherloc (09022015). Collection method: clinical testing. Allele origin: germline.
Comment: This sequence change replaces leucine, which is neutral and non-polar, with proline, which is neutral and non-polar, at codon 1135 of the MSH3 protein (p.Leu1135Pro). This variant is not present in population databases (gnomAD no frequency). This variant has not been reported in the literature in individuals affected with MSH3-related conditions. ClinVar contains an entry for this variant (Variation ID: 1347765). An algorithm developed to predict the effect of missense changes on protein structure and function (PolyPhen-2) suggests that this variant is likely to be tolerated. In summary, the available evidence is currently insufficient to determine the role of this variant in disease. Therefore, it has been classified as a Variant of Uncertain Significance.

NM_002439.5(MSH3):c.3404T>C (p.Leu1135Pro)

Gene: MSH3 (mutS homolog 3; plus strand). Cytogenetic location: 5q14.1.
Variant type: single nucleotide variant.
Coding change: c.3404T>C on transcript NM_002439.5 (MANE Select); coding-DNA position 3404, T replaced by C.
Protein change: p.Leu1135Pro; replaces leucine 1135 with proline.
Molecular consequence: missense variant.
Genome position (GRCh38, 1-based): chr5:80,875,852, T>C. VCF-style: chr5-80875852-T-C. GRCh37 (hg19) VCF-style: chr5-80171671-T-C.
Other names: c.3404T>C (NM_002439.3); short protein forms L1135P.
Identifiers: ClinVar variation 1347765 (VCV001347765.9), dbSNP rs148947624, ClinGen allele CA360347498.